The following is an entry in ClinVar:

ClinVar aggregate classification (germline): Uncertain significance (1 of 4 stars; one submission).

Conditions:
Facioscapulohumeral muscular dystrophy 2 (FSHD2). Also called: MUSCULAR DYSTROPHY, FACIOSCAPULOHUMERAL, TYPE 1B; FACIOSCAPULOHUMERAL MUSCULAR DYSTROPHY 2, DIGENIC; FSHD2, DIGENIC. Identifiers: Orphanet 269, MedGen C1834671, MONDO:0008031, OMIM 158901.

Allele frequency attached by ClinVar (database versions not stated): TOPMed below 0.00001.

Submission:

Labcorp Genetics (formerly Invitae), Labcorp
Classification: Uncertain significance for Facioscapulohumeral muscular dystrophy 2. Last evaluated: 2024-06-12. Review status: criteria provided, single submitter. Criteria: Invitae Variant Classification Sherloc (09022015). Collection method: clinical testing. Allele origin: germline.
Comment: This sequence change replaces alanine, which is neutral and non-polar, with valine, which is neutral and non-polar, at codon 4 of the SMCHD1 protein (p.Ala4Val). This variant is present in population databases (no rsID available, gnomAD 0.01%). This variant has not been reported in the literature in individuals affected with SMCHD1-related conditions. ClinVar contains an entry for this variant (Variation ID: 1962406). Algorithms developed to predict the effect of missense changes on protein structure and function output the following: SIFT: "Not Available"; PolyPhen-2: "Not Available"; Align-GVGD: "Not Available". The valine amino acid residue is found in multiple mammalian species, which suggests that this missense change does not adversely affect protein function. In summary, the available evidence is currently insufficient to determine the role of this variant in disease. Therefore, it has been classified as a Variant of Uncertain Significance.

NM_015295.3(SMCHD1):c.11C>T (p.Ala4Val)

Gene: SMCHD1 (structural maintenance of chromosomes flexible hinge domain containing 1; plus strand). Cytogenetic location: 18p11.32.
Variant type: single nucleotide variant.
Coding change: c.11C>T on transcript NM_015295.3 (MANE Select); coding-DNA position 11, C replaced by T.
Protein change: p.Ala4Val; replaces alanine 4 with valine.
Molecular consequence: missense variant.
Genome position (GRCh38, 1-based): chr18:2,656,086, C>T. VCF-style: chr18-2656086-C-T. GRCh37 (hg19) VCF-style: chr18-2656085-C-T.
Other names: short protein forms A4V.
Identifiers: ClinVar variation 1962406 (VCV001962406.5), dbSNP rs759215545, ClinGen allele CA401684473.
Genomic context (GRCh38, chr18:2,656,086, plus strand): 5'-CCTGAGCCCGGCGGCGGCAGGCGTCGCTGTCTTTTCTCCTTTTCCCCAATATGGCAGCGG[C>T]GGACGGCGGCGGGCCTGGTGGGGCCTCTGTGGGGACTGAGGAGGATGGCGGAGGCGTCGG-3'
Protein context (NP_056110.2, residues 1-14): MAA[Ala4Val]DGGGPGGASV